The following is an entry in ClinVar:

ClinVar aggregate classification (germline): Uncertain significance. Review status: criteria provided, multiple submitters, no conflicts (2 of 4 stars). 4 submissions from 4 submitters: Uncertain significance (3). 1 of the submissions does not count toward it. Last evaluated 2026-03-14.

Conditions:
RPGRIP1L-related disorder. Also called: RPGRIP1L-related condition; RPGRIP1L-related disorders. Identifiers: MedGen CN239416.
Joubert syndrome 7 (JBTS7). Identifiers: Orphanet 220497, MedGen C1969053, MONDO:0012694, OMIM 611560.
Meckel syndrome, type 5 (MKS5). Identifiers: Orphanet 564, MedGen C1969052, MONDO:0012695, OMIM 611561.
COACH syndrome 3. Identifiers: MedGen C5436841, MONDO:0030862, OMIM 619113.
Meckel-Gruber syndrome. Also called: GRUBER SYNDROME; Dysencephalia splachnocystica; DYSENCEPHALIA SPLANCHNOCYSTICA. Identifiers: Orphanet 564, MedGen C0265215, MONDO:0018921.
Joubert syndrome. Also called: Familial aplasia of the vermis; JOUBERT-BOLTSHAUSER SYNDROME. Identifiers: Orphanet 475, MedGen C5979921, MONDO:0018772.

Allele frequency attached by ClinVar (database versions not stated): gnomAD exomes below 0.00001 and 0.00001; ExAC 0.00001; TOPMed 0.00001; gnomAD 0.00003.
gnomAD v4.1: 14 of 1,614,034 alleles (0.00087%); highest among the groups gnomAD compares: African/African-American, 0.008%; no homozygotes.

Submissions (4):

PreventionGenetics, part of Exact Sciences
Classification: Uncertain significance for RPGRIP1L-related condition. Last evaluated: 2026-03-14. Review status: criteria provided, single submitter. Criteria: ACMG Guidelines, 2015. Collection method: clinical testing. Allele origin: germline.
Comment: The RPGRIP1L c.2542A>G variant is predicted to result in the amino acid substitution p.Met848Val. To our knowledge, this variant has not been reported in the literature. This variant is reported in 0.0080% of alleles in individuals of African descent in gnomAD. At this time, the clinical significance of this variant is uncertain due to the absence of conclusive functional and genetic evidence.

Labcorp Genetics (formerly Invitae), Labcorp
Classification: Uncertain significance for Joubert syndrome; Meckel-Gruber syndrome. Last evaluated: 2024-10-26. Review status: criteria provided, single submitter. Criteria: Invitae Variant Classification Sherloc (09022015). Collection method: clinical testing. Allele origin: germline.
Comment: This sequence change replaces methionine, which is neutral and non-polar, with valine, which is neutral and non-polar, at codon 848 of the RPGRIP1L protein (p.Met848Val). This variant is present in population databases (rs767112083, gnomAD 0.008%). This variant has not been reported in the literature in individuals affected with RPGRIP1L-related conditions. ClinVar contains an entry for this variant (Variation ID: 991019). Invitae Evidence Modeling of protein sequence and biophysical properties (such as structural, functional, and spatial information, amino acid conservation, physicochemical variation, residue mobility, and thermodynamic stability) indicates that this missense variant is not expected to disrupt RPGRIP1L protein function with a negative predictive value of 80%. In summary, the available evidence is currently insufficient to determine the role of this variant in disease. Therefore, it has been classified as a Variant of Uncertain Significance.

Fulgent Genetics
Classification: Uncertain significance for Joubert syndrome 7; Meckel syndrome, type 5; COACH syndrome 3. Last evaluated: 2024-06-05. Review status: criteria provided, single submitter. Criteria: ACMG Guidelines, 2015. Collection method: clinical testing. Allele origin: germline.

Natera, Inc.
Classification: Uncertain significance for Joubert syndrome. Last evaluated: 2020-04-24. Review status: no assertion criteria provided. Collection method: clinical testing. Allele origin: germline. Not counted in ClinVar's aggregate classification.

NM_015272.5(RPGRIP1L):c.2542A>G (p.Met848Val)

Gene: RPGRIP1L (RPGRIP1 like; minus strand). Cytogenetic location: 16q12.2.
Variant type: single nucleotide variant.
Coding change: c.2542A>G on transcript NM_015272.5 (MANE Select); coding-DNA position 2542, A replaced by G.
Protein change: p.Met848Val; replaces methionine 848 with valine.
Molecular consequence: missense variant.
Genome position (GRCh38, 1-based): chr16:53,645,766, T>C on the plus strand (A>G on the coding strand, the complement: RPGRIP1L is on the minus strand). VCF-style: chr16-53645766-T-C. GRCh37 (hg19) VCF-style: chr16-53679678-T-C.
Other names: c.2542A>G (NM_015272.4); c.2542A>G, p.Met848Val (NM_001127897.4, NM_001308334.3, NM_001330538.2); short protein forms M848V.
Identifiers: ClinVar variation 991019 (VCV000991019.9), dbSNP rs767112083, ClinGen allele CA8057528.